The following is an entry in ClinVar:

ClinVar aggregate classification (germline): Pathogenic (1 of 4 stars; one submission).

Submission:

Labcorp Genetics (formerly Invitae), Labcorp
Classification: Pathogenic. Last evaluated: 2023-01-01. Review status: criteria provided, single submitter. Criteria: Invitae Variant Classification Sherloc (09022015). Collection method: clinical testing. Allele origin: germline.
Comment: For these reasons, this variant has been classified as Pathogenic. This variant has not been reported in the literature in individuals affected with OPHN1-related conditions. This variant is not present in population databases (gnomAD no frequency). This sequence change creates a premature translational stop signal (p.Ile337Argfs*3) in the OPHN1 gene. It is expected to result in an absent or disrupted protein product. Loss-of-function variants in OPHN1 are known to be pathogenic (PMID: 12807966).

Literature cited by the submitters: PubMed 12807966.

NM_002547.3(OPHN1):c.1010_1011del (p.Ile337fs)

Gene: OPHN1 (oligophrenin 1; minus strand). Cytogenetic location: Xq12.
Variant type: Deletion.
Coding change: c.1010_1011del on transcript NM_002547.3 (MANE Select); coding-DNA positions 1010 to 1011, 2 bases deleted (TA; older notation c.1010_1011delTA).
Protein change: p.Ile337fs; shifts the reading frame from isoleucine 337.
Molecular consequence: frameshift variant.
Genome position (GRCh38, 1-based): chrX:68,201,633-68,201,634, TA deleted on the plus strand (TA on the coding strand, the reverse complement: OPHN1 is on the minus strand); deleting any 2 consecutive bases within chrX:68,201,633-68,201,635 gives the same sequence; the c. name uses the placement nearest the transcript's 3' end. VCF-style (leftmost placement, unchanged base first): chrX-68201632-CTA-C. GRCh37 (hg19) VCF-style: chrX-67421474-CTA-C.
Other names: short protein forms I337fs.
Identifiers: ClinVar variation 2825863 (VCV002825863.3), dbSNP rs2519794124, ClinGen allele CA2739273546.
Genomic context (GRCh38, chrX:68,201,632, plus strand): 5'-GCATCTGGCACGTGGGGACATTGCCAATTCACAGCGGCACAGCTTACCTTTCATTAGTTT[CTA>C]TGTCAAAACAGAACCTCTTGTCGATAGACTCCGTCTTCCTTCTCACACAGTACTTCAGTG-3'